The following is an entry in ClinVar:

NM_006073.4(TRDN):c.1966A>G (p.Arg656Gly)

Gene: TRDN (triadin; minus strand). Cytogenetic location: 6q22.31.
Variant type: single nucleotide variant.
Coding change: c.1966A>G on transcript NM_006073.4 (MANE Select); coding-DNA position 1966, A replaced by G.
Protein change: p.Arg656Gly; replaces arginine 656 with glycine.
Molecular consequence: missense variant.
Genome position (GRCh38, 1-based): chr6:123,252,421, T>C on the plus strand (A>G on the coding strand, the complement: TRDN is on the minus strand). VCF-style: chr6-123252421-T-C. GRCh37 (hg19) VCF-style: chr6-123573566-T-C.
Other names: c.1966A>G (NM_006073.2); short protein forms R656G.
Identifiers: ClinVar variation 843306 (VCV000843306.7), dbSNP rs1776405797, ClinGen allele CA365561872.
Genomic context (GRCh38, chr6:123,252,421, plus strand): 5'-ATTGATACTATGTATCAAAGAGAACTTGTCATTAATACAAACCGTACTTACTTGATACTC[T>C]TGCAGGTTTTTCTGCTAAAAAGAGAAAATAAATAAGTTTTGTTTAACTGAGATAAAATGC-3'
Protein context (NP_006064.2, residues 646-666): HNVTKAEKPA[Arg656Gly]VSKDVEDVPA

ClinVar aggregate classification (germline): Conflicting classifications of pathogenicity. Review status: criteria provided, conflicting classifications (1 of 4 stars). 2 submissions from 2 submitters: Uncertain significance (1); Likely benign (1). Last evaluated 2024-07-15.

Conditions:
Cardiovascular phenotype. Identifiers: MedGen CN230736.
Catecholaminergic polymorphic ventricular tachycardia 1. Also called: VENTRICULAR TACHYCARDIA, CATECHOLAMINERGIC POLYMORPHIC, 1, WITH OR WITHOUT ATRIAL DYSFUNCTION AND/OR DILATED CARDIOMYOPATHY; VENTRICULAR TACHYCARDIA, STRESS-INDUCED POLYMORPHIC 1; RYR2-Related Catecholaminergic Polymorphic Ventricular Tachycardia. Identifiers: Orphanet 3286, MedGen C1631597, MONDO:0011484, OMIM 604772.

Allele frequency attached by ClinVar (database versions not stated): TOPMed below 0.00001.

Submissions (2):

Ambry Genetics
Classification: Likely benign for Cardiovascular phenotype. Last evaluated: 2024-07-15. Review status: criteria provided, single submitter. Criteria: Ambry Variant Classification Scheme 2023. Collection method: clinical testing. Allele origin: germline.

Labcorp Genetics (formerly Invitae), Labcorp
Classification: Uncertain significance for Catecholaminergic polymorphic ventricular tachycardia 1. Last evaluated: 2021-09-02. Review status: criteria provided, single submitter. Criteria: Invitae Variant Classification Sherloc (09022015). Collection method: clinical testing. Allele origin: germline.
Comment: This sequence change replaces arginine with glycine at codon 656 of the TRDN protein (p.Arg656Gly). The arginine residue is weakly conserved and there is a moderate physicochemical difference between arginine and glycine. This variant is not present in population databases (ExAC no frequency). This variant has not been reported in the literature in individuals affected with TRDN-related conditions. Algorithms developed to predict the effect of missense changes on protein structure and function (SIFT, PolyPhen-2, Align-GVGD) all suggest that this variant is likely to be tolerated. In summary, the available evidence is currently insufficient to determine the role of this variant in disease. Therefore, it has been classified as a Variant of Uncertain Significance.